The following is an entry in ClinVar:

NM_000498.3(CYP11B2):c.786C>T (p.Cys262=)

Genes: CYP11B2 (cytochrome P450 family 11 subfamily B member 2; minus strand), LOC106799834 (CYP11B2 recombination region; plus strand). Cytogenetic location: 8q24.3.
Variant type: single nucleotide variant.
Coding change: c.786C>T on transcript NM_000498.3 (MANE Select); coding-DNA position 786, C replaced by T.
Protein change: p.Cys262=; no amino-acid change (cysteine 262 retained).
Molecular consequence: synonymous variant.
Genome position (GRCh38, 1-based): chr8:142,914,718, G>A on the plus strand (C>T on the coding strand, the complement: CYP11B2 is on the minus strand). VCF-style: chr8-142914718-G-A. GRCh37 (hg19) VCF-style: chr8-143996134-G-A.
Identifiers: ClinVar variation 751289 (VCV000751289.36), dbSNP rs141645920, ClinGen allele CA4906095.

ClinVar aggregate classification (germline): Likely benign. Review status: criteria provided, multiple submitters, no conflicts (2 of 4 stars). 4 submissions from 4 submitters: Likely benign (3). 1 of the submissions does not count toward it. Last evaluated 2024-02-28.

Conditions:
Corticosterone 18-monooxygenase deficiency. Also called: 18 Hydroxylase deficiency; Aldosterone deficiency due to defect in 18 hydroxylase; Aldosterone deficiency 1; 18 alpha hydroxylase deficiency; Corticosterone methyloxidase type 1 deficiency; CMO 1 deficiency. Identifiers: Orphanet 427, MedGen C0268293, MONDO:0008751, OMIM 203400. Disease mechanism: loss of function.
Corticosterone methyloxidase type 2 deficiency. Also called: STEROID 18-OXIDASE DEFICIENCY; 18-OXIDASE DEFICIENCY; ALDOSTERONE DEFICIENCY DUE TO DEFICIENCY OF STEROID 18-OXIDASE; ALDOSTERONE DEFICIENCY II; CMO II DEFICIENCY. Identifiers: Orphanet 427, MedGen C3463917, MONDO:0012524, OMIM 610600. Disease mechanism: loss of function.

Allele frequency attached by ClinVar (database versions not stated): gnomAD exomes 0.00003 and 0.00012; gnomAD 0.00004; ExAC 0.00005; TOPMed 0.00005; ESP Exome Variant Server 0.00008.

Submissions (4):

Labcorp Genetics (formerly Invitae), Labcorp
Classification: Likely benign. Last evaluated: 2024-02-28. Review status: criteria provided, single submitter. Criteria: Invitae Variant Classification Sherloc (09022015). Collection method: clinical testing. Allele origin: germline.

CeGaT Center for Human Genetics Tuebingen
Classification: Likely benign. Last evaluated: 2023-02-01. Review status: criteria provided, single submitter. Criteria: CeGaT Center For Human Genetics Tuebingen Variant Classification Criteria Version 2. Collection method: clinical testing. Allele origin: germline. Affected: yes. Observed: 1 variant allele.
Comment: CYP11B2: BP4, BP7

Fulgent Genetics
Classification: Likely benign for Corticosterone 18-monooxygenase deficiency; Corticosterone methyloxidase type 2 deficiency. Last evaluated: 2021-08-04. Review status: criteria provided, single submitter. Criteria: ACMG Guidelines, 2015. Collection method: clinical testing. Allele origin: unknown.

Natera, Inc.
Classification: Uncertain significance for Corticosterone 18-monooxygenase deficiency. Last evaluated: 2020-01-24. Review status: no assertion criteria provided. Collection method: clinical testing. Allele origin: germline. Not counted in ClinVar's aggregate classification.